The following is an entry in ClinVar:

ClinVar aggregate classification (germline): Uncertain significance (1 of 4 stars; one submission).

Allele frequency attached by ClinVar (database versions not stated): gnomAD exomes below 0.00001.
gnomAD v4.1: 2 of 1,609,364 alleles (0.00012%); highest among the groups gnomAD compares: Admixed American, 0.0033%; no homozygotes.

Submission:

Labcorp Genetics (formerly Invitae), Labcorp
Classification: Uncertain significance. Last evaluated: 2022-03-18. Review status: criteria provided, single submitter. Criteria: Invitae Variant Classification Sherloc (09022015). Collection method: clinical testing. Allele origin: germline.
Comment: In summary, the available evidence is currently insufficient to determine the role of this variant in disease. Therefore, it has been classified as a Variant of Uncertain Significance. This sequence change replaces alanine, which is neutral and non-polar, with proline, which is neutral and non-polar, at codon 482 of the MCM3AP protein (p.Ala482Pro). This variant is present in population databases (no rsID available, gnomAD 0.006%). This variant has not been reported in the literature in individuals affected with MCM3AP-related conditions. Algorithms developed to predict the effect of missense changes on protein structure and function are either unavailable or do not agree on the potential impact of this missense change (SIFT: "Deleterious"; PolyPhen-2: "Probably Damaging"; Align-GVGD: "Class C0"). Algorithms developed to predict the effect of sequence changes on RNA splicing suggest that this variant may disrupt the consensus splice site.

NM_003906.5(MCM3AP):c.1444G>C (p.Ala482Pro)

Gene: MCM3AP (minichromosome maintenance complex component 3 associated protein; minus strand). Cytogenetic location: 21q22.3.
Variant type: single nucleotide variant.
Coding change: c.1444G>C on transcript NM_003906.5 (MANE Select); coding-DNA position 1444, G replaced by C.
Protein change: p.Ala482Pro; replaces alanine 482 with proline.
Molecular consequence: missense variant.
Genome position (GRCh38, 1-based): chr21:46,280,575, C>G on the plus strand (G>C on the coding strand, the complement: MCM3AP is on the minus strand). VCF-style: chr21-46280575-C-G. GRCh37 (hg19) VCF-style: chr21-47700489-C-G.
Other names: short protein forms A482P.
Identifiers: ClinVar variation 2087542 (VCV002087542.4), dbSNP rs1277141494, ClinGen allele CA410530416.
Genomic context (GRCh38, chr21:46,280,575, plus strand): 5'-AAAAGATAGCCATGTCTTTATGCAAACTTTTCCCCTTCTTTCTAGCCAGGGCTGCAGATG[C>G]CTGGAAAACAGTCCACAACCGCCATGTGTGAGTATATCAGGAAACCAAAGGAAATGGGAT-3'
Protein context (NP_003897.2, residues 472-492): KLAVVHFFDH[Ala482Pro]SAALARKKGK